The following is an entry in ClinVar:

ClinVar aggregate classification (germline): Uncertain significance (1 of 4 stars; one submission).

Submission:

Labcorp Genetics (formerly Invitae), Labcorp
Classification: Uncertain significance. Last evaluated: 2025-04-30. Review status: criteria provided, single submitter. Criteria: Invitae Variant Classification Sherloc (09022015). Collection method: clinical testing. Allele origin: germline.
Comment: This sequence change replaces arginine, which is basic and polar, with proline, which is neutral and non-polar, at codon 124 of the CTNNB1 protein (p.Arg124Pro). This variant is not present in population databases (gnomAD no frequency). This variant has not been reported in the literature in individuals affected with CTNNB1-related conditions. Invitae Evidence Modeling of protein sequence and biophysical properties (such as structural, functional, and spatial information, amino acid conservation, physicochemical variation, residue mobility, and thermodynamic stability) indicates that this missense variant is expected to disrupt CTNNB1 protein function with a positive predictive value of 80%. In summary, the available evidence is currently insufficient to determine the role of this variant in disease. Therefore, it has been classified as a Variant of Uncertain Significance.

NM_001904.4(CTNNB1):c.371G>C (p.Arg124Pro)

Genes: CTNNB1 (catenin beta 1; plus strand), LOC126806658 (BRD4-independent group 4 enhancer GRCh37_chr3:41265899-41267098; plus strand). Cytogenetic location: 3p22.1.
Variant type: single nucleotide variant.
Coding change: c.371G>C on transcript NM_001904.4 (MANE Select); coding-DNA position 371, G replaced by C.
Protein change: p.Arg124Pro; replaces arginine 124 with proline.
Molecular consequence: missense variant.
Genome position (GRCh38, 1-based): chr3:41,225,083, G>C. VCF-style: chr3-41225083-G-C. GRCh37 (hg19) VCF-style: chr3-41266574-G-C.
Other names: c.371G>C, p.Arg124Pro (NM_001098209.2, NM_001098210.2, NM_001438871.1 and 4 more transcripts); c.350G>C, p.Arg117Pro (NM_001330729.2); short protein forms R117P, R124P.
Identifiers: ClinVar variation 4744577 (VCV004744577.1).